The following is an entry in ClinVar:

NM_001042492.3(NF1):c.1063-3_1063del

Gene: NF1 (neurofibromin 1; plus strand). Cytogenetic location: 17q11.2.
Variant type: Deletion.
Coding change: c.1063-3_1063del on transcript NM_001042492.3 (MANE Select); 3 bases into the intron before coding-DNA position 1063 through coding-DNA position 1063, 4 bases deleted (TAGA; older notation c.1063-3_1063delTAGA).
Molecular consequence: splice acceptor variant.
Genome position (GRCh38, 1-based): chr17:31,201,034-31,201,037, TAGA deleted; deleting any 4 consecutive bases within chr17:31,201,033-31,201,037 gives the same sequence; the c. name uses the placement nearest the transcript's 3' end. VCF-style (leftmost placement, unchanged base first): chr17-31201032-TATAG-T. GRCh37 (hg19) VCF-style: chr17-29528050-TATAG-T.
Other names: c.1063-3_1063del (NM_000267.4, NM_001128147.3).
Identifiers: ClinVar variation 2028555 (VCV002028555.4), dbSNP rs2544796643, ClinGen allele CA2580092885.

ClinVar aggregate classification (germline): Likely pathogenic (1 of 4 stars; one submission).

Conditions:
Neurofibromatosis, type 1 (NF1). Also called: NEUROFIBROMATOSIS, TYPE I, SOMATIC; Neurofibromatosis, type I; Peripheral type neurofibromatosis; VON RECKLINGHAUSEN DISEASE. Identifiers: Orphanet 636, MedGen C0027831, MONDO:0018975, OMIM 162200. Disease mechanism: loss of function.

Submission:

Labcorp Genetics (formerly Invitae), Labcorp
Classification: Likely pathogenic for Neurofibromatosis, type 1. Last evaluated: 2024-05-29. Review status: criteria provided, single submitter. Criteria: Invitae Variant Classification Sherloc (09022015). Collection method: clinical testing. Allele origin: germline.
Comment: This variant results in the deletion of part of exon 10 (c.1063-3_1063del) of the NF1 gene. It is expected to disrupt RNA splicing. Variants that disrupt the donor or acceptor splice site typically lead to a loss of protein function (PMID: 16199547), and loss-of-function variants in NF1 are known to be pathogenic (PMID: 10712197, 23913538). This variant is not present in population databases (gnomAD no frequency). This variant has not been reported in the literature in individuals affected with NF1-related conditions. ClinVar contains an entry for this variant (Variation ID: 2028555). Algorithms developed to predict the effect of sequence changes on RNA splicing suggest that this variant may disrupt the consensus splice site. In summary, the currently available evidence indicates that the variant is pathogenic, but additional data are needed to prove that conclusively. Therefore, this variant has been classified as Likely Pathogenic.

Literature cited by the submitters: PubMed 16199547; PubMed 10712197; PubMed 23913538.